The following is an entry in ClinVar:

NM_024675.4(PALB2):c.3559T>C (p.Ter1187Gln)

Gene: PALB2 (partner and localizer of BRCA2; minus strand). Cytogenetic location: 16p12.2.
Variant type: single nucleotide variant.
Coding change: c.3559T>C on transcript NM_024675.4 (MANE Select); coding-DNA position 3559, T replaced by C.
Protein change: p.Ter1187Gln.
Molecular consequence: stop lost.
Genome position (GRCh38, 1-based): chr16:23,603,461, A>G on the plus strand (T>C on the coding strand, the complement: PALB2 is on the minus strand). VCF-style: chr16-23603461-A-G. GRCh37 (hg19) VCF-style: chr16-23614782-A-G.
Other names: *1187Q.
Identifiers: ClinVar variation 801241 (VCV000801241.8), dbSNP rs1597061731, ClinGen allele CA395137583.

ClinVar aggregate classification (germline): Uncertain significance. Review status: criteria provided, multiple submitters, no conflicts (2 of 4 stars). 4 submissions from 4 submitters: Uncertain significance (4). Last evaluated 2023-08-18.

Conditions:
Hereditary cancer-predisposing syndrome. Also called: Tumor predisposition; Neoplastic Syndromes, Hereditary; Hereditary Cancer Syndrome; Hereditary neoplastic syndrome. Identifiers: Orphanet 140162, MedGen C0027672, MeSH D009386, MONDO:0015356.
Familial cancer of breast. Also called: hereditary breast carcinoma; BREAST CANCER, FAMILIAL; Hereditary breast cancer. Identifiers: Orphanet 227535, MedGen C0346153, MONDO:0016419, OMIM 114480. Disease mechanism: loss of function.

Submissions (4):

Labcorp Genetics (formerly Invitae), Labcorp
Classification: Uncertain significance for Familial cancer of breast. Last evaluated: 2023-08-18. Review status: criteria provided, single submitter. Criteria: Invitae Variant Classification Sherloc (09022015). Collection method: clinical testing. Allele origin: germline.
Comment: This variant is not present in population databases (gnomAD no frequency). In summary, the available evidence is currently insufficient to determine the role of this variant in disease. Therefore, it has been classified as a Variant of Uncertain Significance. ClinVar contains an entry for this variant (Variation ID: 801241). This variant has not been reported in the literature in individuals affected with PALB2-related conditions. This sequence change disrupts the translational stop signal of the PALB2 mRNA. It is expected to extend the length of the PALB2 protein by 5 additional amino acid residues.

GeneDx
Classification: Uncertain significance. Last evaluated: 2023-01-18. Review status: criteria provided, single submitter. Criteria: GeneDx Variant Classification Process June 2021. Collection method: clinical testing. Allele origin: germline. Affected: yes.
Comment: Not observed at significant frequency in large population cohorts (gnomAD); Normal stop codon changed to a glutamine codon, leading to the addition of 5 amino acids at the C-terminus; Has not been previously published as pathogenic or benign to our knowledge; This variant is associated with the following publications: (PMID: 20871615, 24485656, 19609323)

Ambry Genetics
Classification: Uncertain significance for Hereditary cancer-predisposing syndrome. Last evaluated: 2022-09-29. Review status: criteria provided, single submitter. Criteria: Ambry Variant Classification Scheme 2023. Collection method: clinical testing. Allele origin: germline.
Comment: The c.3559T>C variant (also known as p.*1187Qext*5), located in coding exon 13 of the PALB2 gene, results from a T to C substitution at nucleotide position 3559, which is the last nucleotide of the PALB2 gene. This alteration disrupts the stop codon of the PALB2 gene and is predicted to preserve the native sequence while resulting in the elongation of the protein by 5 amino acids. The exact functional effect of the additional amino acids is unknown. Since supporting evidence is limited at this time, the clinical significance of this alteration remains unclear.

Quest Diagnostics Nichols Institute San Juan Capistrano
Classification: Uncertain significance. Last evaluated: 2019-07-31. Review status: criteria provided, single submitter. Criteria: Quest Diagnostics criteria. Collection method: clinical testing. Allele origin: germline.